The following is an entry in ClinVar:

NM_004006.3(DMD):c.3428A>G (p.Gln1143Arg)

Gene: DMD (dystrophin; minus strand). Cytogenetic location: Xp21.1.
Variant type: single nucleotide variant.
Coding change: c.3428A>G on transcript NM_004006.3 (MANE Select); coding-DNA position 3428, A replaced by G.
Protein change: p.Gln1143Arg; replaces glutamine 1143 with arginine.
Molecular consequence: missense variant.
Genome position (GRCh38, 1-based): chrX:32,463,443, T>C on the plus strand (A>G on the coding strand, the complement: DMD is on the minus strand). VCF-style: chrX-32463443-T-C. GRCh37 (hg19) VCF-style: chrX-32481560-T-C.
Other names: c.3404A>G, p.Gln1135Arg (NM_000109.4); c.3416A>G, p.Gln1139Arg (NM_004009.3); c.3059A>G, p.Gln1020Arg (NM_004010.3); short protein forms Q1020R, Q1139R, Q1143R, Q1135R.
Identifiers: ClinVar variation 2145367 (VCV002145367.4), dbSNP rs769607822, ClinGen allele CA10379288.

ClinVar aggregate classification (germline): Uncertain significance. Review status: criteria provided, multiple submitters, no conflicts (2 of 4 stars). 2 submissions from 2 submitters: Uncertain significance (2). Last evaluated 2022-04-05.

Conditions:
Duchenne muscular dystrophy (DMD). Also called: MUSCULAR DYSTROPHY, PSEUDOHYPERTROPHIC PROGRESSIVE, DUCHENNE TYPE; Duchenne Muscular Dystrophy (DMD). Identifiers: Orphanet 98896, MedGen C0013264, MONDO:0010679, OMIM 310200.

Allele frequency attached by ClinVar (database versions not stated): TOPMed 0.00001; ExAC 0.00003.
gnomAD v4.1: 14 of 1,206,994 alleles (0.0012%); highest among the groups gnomAD compares: East Asian, 0.039%; no homozygotes.

Submissions (2):

Labcorp Genetics (formerly Invitae), Labcorp
Classification: Uncertain significance for Duchenne muscular dystrophy. Last evaluated: 2022-04-05. Review status: criteria provided, single submitter. Criteria: Invitae Variant Classification Sherloc (09022015). Collection method: clinical testing. Allele origin: germline.
Comment: This sequence change replaces glutamine, which is neutral and polar, with arginine, which is basic and polar, at codon 1143 of the DMD protein (p.Gln1143Arg). This variant is present in population databases (rs769607822, gnomAD 0.03%). This variant has not been reported in the literature in individuals affected with DMD-related conditions. Algorithms developed to predict the effect of missense changes on protein structure and function output the following: SIFT: "Tolerated"; PolyPhen-2: "Benign"; Align-GVGD: "Class C0". The arginine amino acid residue is found in multiple mammalian species, which suggests that this missense change does not adversely affect protein function. In summary, the available evidence is currently insufficient to determine the role of this variant in disease. Therefore, it has been classified as a Variant of Uncertain Significance.

Revvity Omics, Revvity
Classification: Uncertain significance. Last evaluated: 2020-07-28. Review status: criteria provided, single submitter. Criteria: ACMG Guidelines, 2015. Collection method: clinical testing. Allele origin: germline.